The following is an entry in ClinVar:

ClinVar aggregate classification (germline): Conflicting classifications of pathogenicity. Review status: criteria provided, conflicting classifications (1 of 4 stars). 2 submissions from 2 submitters: Likely pathogenic (1); Uncertain significance (1). Last evaluated 2026-02-13.

Conditions:
Oculocutaneous albinism type 1B (OCA1B). Also called: ALBINISM, OCULOCUTANEOUS, TYPE IB; ALBINISM, YELLOW MUTANT TYPE; YELLOW ALBINISM. Identifiers: Orphanet 352731, Orphanet 352737, Orphanet 79434, MedGen C1847024, MONDO:0011749, OMIM 606952.

Allele frequency attached by ClinVar (database versions not stated): gnomAD exomes 0.00001.
gnomAD v4.1: 15 of 1,614,152 alleles (0.00093%); highest among the groups gnomAD compares: Non-Finnish European, 0.0013%; no homozygotes.

Submissions (2):

Women's Health and Genetics/Laboratory Corporation of America, LabCorp
Classification: Uncertain significance. Last evaluated: 2026-02-13. Review status: criteria provided, single submitter. Criteria: LabCorp Variant Classification Summary - May 2015. Collection method: clinical testing. Allele origin: germline.
Comment: Variant summary: TYR c.97A>G (p.Lys33Glu) results in a conservative amino acid change in the encoded protein sequence. Algorithms developed to predict the effect of missense changes on protein structure and function are either unavailable or do not agree on the potential impact of this missense change. The variant allele was found at a frequency of 4e-06 in 251478 control chromosomes. The available data on variant occurrences in the general population are insufficient to allow any conclusion about variant significance. To our knowledge, no occurrence of c.97A>G in individuals affected with TYR-related conditions and no experimental evidence demonstrating its impact on protein function have been reported. The following publication has been ascertained in the context of this evaluation (PMID: 37946251). ClinVar contains an entry for this variant (Variation ID: 2498161). Based on the evidence outlined above, the variant was classified as uncertain significance.

Oxford Medical Genetics Laboratories, Oxford University Hospitals NHS Foundation Trust
Classification: Likely pathogenic for Oculocutaneous albinism type 1B. Last evaluated: 2023-03-23. Review status: criteria provided, single submitter. Criteria: ACMG Guidelines, 2015. Collection method: clinical testing. Allele origin: germline. Affected: yes.

Literature cited by the submitters: PubMed 37946251 (cited by Women's Health and Genetics/Laboratory Corporation of America, LabCorp).

NM_000372.5(TYR):c.97A>G (p.Lys33Glu)

Gene: TYR (tyrosinase; plus strand). Cytogenetic location: 11q14.3.
Variant type: single nucleotide variant.
Coding change: c.97A>G on transcript NM_000372.5 (MANE Select); coding-DNA position 97, A replaced by G.
Protein change: p.Lys33Glu; replaces lysine 33 with glutamic acid.
Molecular consequence: missense variant.
Genome position (GRCh38, 1-based): chr11:89,178,050, A>G. VCF-style: chr11-89178050-A-G. GRCh37 (hg19) VCF-style: chr11-88911218-A-G.
Other names: short protein forms K33E.
Identifiers: ClinVar variation 2498161 (VCV002498161.2), dbSNP rs1388451551, ClinGen allele CA382033386.